The following is an entry in ClinVar:

ClinVar aggregate classification (germline): Uncertain significance (1 of 4 stars; one submission).

gnomAD v4.1: 3 of 1,595,014 alleles (0.00019%); highest among the groups gnomAD compares: Admixed American, 0.0033%; no homozygotes.

Submission:

GeneDx
Classification: Uncertain significance. Last evaluated: 2024-06-24. Review status: criteria provided, single submitter. Criteria: GeneDx Variant Classification Process June 2021. Collection method: clinical testing. Allele origin: germline. Affected: yes.
Comment: Not observed at significant frequency in large population cohorts (gnomAD); In silico analysis indicates that this variant does not alter splicing; Has not been previously published as pathogenic or benign to our knowledge

NM_003672.4(CDC14A):c.310-12T>C

Gene: CDC14A (cell division cycle 14A; plus strand). Cytogenetic location: 1p21.2.
Variant type: single nucleotide variant.
Coding change: c.310-12T>C on transcript NM_003672.4 (MANE Select); 12 bases into the intron before coding-DNA position 310, T replaced by C.
Molecular consequence: intron variant.
Genome position (GRCh38, 1-based): chr1:100,424,210, T>C. VCF-style: chr1-100424210-T-C. GRCh37 (hg19) VCF-style: chr1-100889766-T-C.
Other names: c.136-12T>C (NM_001319211.2); c.310-12T>C (NM_001319210.2, NM_033312.3, NM_033313.3); c.-482-12T>C (NM_001319212.2).
Identifiers: ClinVar variation 3392765 (VCV003392765.1).